The following is an entry in ClinVar:

ClinVar aggregate classification (germline): Benign/Likely benign. Review status: criteria provided, multiple submitters, no conflicts (2 of 4 stars). 9 submissions from 9 submitters: Benign (7); Likely benign (2). Last evaluated 2026-02-04.

Conditions:
Retinal dystrophy. Also called: Inherited retinal dystrophy. Identifiers: Orphanet 71862, MedGen C0854723, MeSH D058499, MONDO:0019118, HP:0000556.
Retinitis pigmentosa (RP). Identifiers: Orphanet 791, MedGen C0035334, MeSH D012174, MONDO:0019200, OMIM 268000. Inheritance: Autosomal dominant, autosomal recessive and X linked inheritance.
Retinitis pigmentosa 1 (RP1). Identifiers: Orphanet 791, MedGen C0220701, MONDO:0008377, OMIM 180100.

Allele frequency attached by ClinVar (database versions not stated): 1000 Genomes Project 0.21565; 1000 Genomes Project 30x 0.21580; ESP Exome Variant Server 0.31475; TOPMed 0.28485.
gnomAD v4.1: 612,193 of 1,613,544 alleles (38%); highest among the groups gnomAD compares: Middle Eastern, 47%; 123,843 homozygotes.

Submissions (9):

Labcorp Genetics (formerly Invitae), Labcorp
Classification: Benign. Last evaluated: 2026-02-04. Review status: criteria provided, single submitter. Criteria: Invitae Variant Classification Sherloc (09022015). Collection method: clinical testing. Allele origin: germline.

Blueprint Genetics
Classification: Benign. Last evaluated: 2024-11-27. Review status: criteria provided, single submitter. Criteria: ACMG Guidelines, 2015. Collection method: clinical testing. Allele origin: germline.

Dept Of Ophthalmology, Nagoya University
Classification: Benign for Retinal dystrophy. Last evaluated: 2023-10-01. Review status: criteria provided, single submitter. Criteria: Submitter's publication. Collection method: research. Allele origin: germline. Affected: yes.

Genome-Nilou Lab
Classification: Benign for Retinitis pigmentosa 1. Last evaluated: 2021-11-07. Review status: criteria provided, single submitter. Criteria: ACMG Guidelines, 2015. Collection method: clinical testing. Allele origin: germline. Affected: no.

GeneDx
Classification: Benign. Last evaluated: 2018-07-02. Review status: criteria provided, single submitter. Criteria: GeneDx Variant Classification Process June 2021. Collection method: clinical testing. Allele origin: germline. Affected: yes.
Comment: This variant is associated with the following publications: (PMID: 11864893, 11527933, 28418496)

Illumina Laboratory Services, Illumina
Classification: Benign for Retinitis pigmentosa. Last evaluated: 2018-01-13. Review status: criteria provided, single submitter. Criteria: ICSL Variant Classification Criteria 13 December 2019. Collection method: clinical testing. Allele origin: germline.
Comment: This variant was observed in the ICSL laboratory as part of a predisposition screen in an ostensibly healthy population. It had not been previously curated by ICSL or reported in the Human Gene Mutation Database (HGMD: prior to June 1st, 2018), and was therefore a candidate for classification through an automated scoring system. Utilizing variant allele frequency, disease prevalence and penetrance estimates, and inheritance mode, an automated score was calculated to assess if this variant is too frequent to cause the disease. Based on the score and internal cut-off values, a variant classified as benign is not then subjected to further curation. The score for this variant resulted in a classification of benign for this disease.

Eurofins Ntd Llc (ga)
Classification: Benign. Last evaluated: 2013-10-02. Review status: criteria provided, single submitter. Criteria: EGL Classification Definitions 2015. Collection method: clinical testing. Allele origin: germline. Observed: 2 variant alleles, 1 heterozygote, 1 homozygote.

Breakthrough Genomics
Classification: Likely benign. Review status: criteria provided, single submitter. Criteria: ACMG Guidelines, 2015. Collection method: not provided. Allele origin: germline. Inheritance: Autosomal dominant inheritance. Affected: yes.

PreventionGenetics, part of Exact Sciences
Classification: Likely benign. Review status: criteria provided, single submitter. Criteria: ACMG Guidelines, 2015. Collection method: clinical testing. Allele origin: germline.

NM_006269.2(RP1):c.6098G>A (p.Cys2033Tyr)

Gene: RP1 (RP1 axonemal microtubule associated; plus strand). Cytogenetic location: 8q12.1.
Variant type: single nucleotide variant.
Coding change: c.6098G>A on transcript NM_006269.2 (MANE Select); coding-DNA position 6098, G replaced by A.
Protein change: p.Cys2033Tyr; replaces cysteine 2033 with tyrosine.
Molecular consequence: missense variant.
Genome position (GRCh38, 1-based): chr8:54,629,980, G>A. VCF-style: chr8-54629980-G-A. GRCh37 (hg19) VCF-style: chr8-55542540-G-A.
Other names: short protein forms C2033Y.
Identifiers: ClinVar variation 95357 (VCV000095357.27), dbSNP rs61739567, ClinGen allele CA148469.